The following is an entry in ClinVar:

ClinVar aggregate classification (germline): Pathogenic (1 of 4 stars; one submission).

Submission:

Labcorp Genetics (formerly Invitae), Labcorp
Classification: Pathogenic. Last evaluated: 2022-08-16. Review status: criteria provided, single submitter. Criteria: Invitae Variant Classification Sherloc (09022015). Collection method: clinical testing. Allele origin: germline.
Comment: For these reasons, this variant has been classified as Pathogenic. Algorithms developed to predict the effect of sequence changes on RNA splicing suggest that this variant may disrupt the consensus splice site. ClinVar contains an entry for this variant (Variation ID: 524688). Disruption of this splice site has been observed in individual(s) with Sotos syndrome (PMID: 17565729). In at least one individual the variant was observed to be de novo. This variant is not present in population databases (gnomAD no frequency). This sequence change affects a donor splice site in intron 18 of the NSD1 gene. It is expected to disrupt RNA splicing. Variants that disrupt the donor or acceptor splice site typically lead to a loss of protein function (PMID: 16199547), and loss-of-function variants in NSD1 are known to be pathogenic (PMID: 12464997, 14571271, 15942875, 16247291).

Literature cited by the submitters: PubMed 17565729; PubMed 16199547; PubMed 12464997; PubMed 14571271; PubMed 15942875; PubMed 16247291.

NM_022455.5(NSD1):c.5892+1G>A

Gene: NSD1 (nuclear receptor binding SET domain protein 1; plus strand). Cytogenetic location: 5q35.3.
Variant type: single nucleotide variant.
Coding change: c.5892+1G>A on transcript NM_022455.5 (MANE Select); the canonical splice donor site of the intron after coding-DNA position 5892, G replaced by A.
Molecular consequence: splice donor variant.
Genome position (GRCh38, 1-based): chr5:177,280,835, G>A. VCF-style: chr5-177280835-G-A. GRCh37 (hg19) VCF-style: chr5-176707836-G-A.
Other names: c.5892+1G>A (NM_001409301.1, NM_001409302.1, NM_001409303.1); c.5472+1G>A (NM_001409304.1); c.5139+1G>A (NM_001409305.1); c.5130+1G>A (NM_001409306.1, NM_001409307.1); c.5019+1G>A (NM_001409308.1, NM_172349.5, NM_001409309.1 and 1 more transcripts).
Identifiers: ClinVar variation 524688 (VCV000524688.9), dbSNP rs886039579, ClinGen allele CA362313995.